The following is an entry in ClinVar:

NM_002206.3(ITGA7):c.1982C>T (p.Thr661Met)

Gene: ITGA7 (integrin subunit alpha 7; minus strand). Cytogenetic location: 12q13.2.
Variant type: single nucleotide variant.
Coding change: c.1982C>T on transcript NM_002206.3 (MANE Select); coding-DNA position 1982, C replaced by T.
Protein change: p.Thr661Met; replaces threonine 661 with methionine.
Molecular consequence: missense variant.
Genome position (GRCh38, 1-based): chr12:55,695,543, G>A on the plus strand (C>T on the coding strand, the complement: ITGA7 is on the minus strand). VCF-style: chr12-55695543-G-A. GRCh37 (hg19) VCF-style: chr12-56089327-G-A.
Other names: c.1994C>T, p.Thr665Met (NM_001144996.2); c.1703C>T, p.Thr568Met (NM_001144997.2); c.1655C>T, p.Thr552Met (NM_001367993.1); c.638C>T, p.Thr213Met (NM_001367994.1); c.1964C>T, p.Thr655Met (NM_001374465.1); c.2114C>T, p.Thr705Met (NM_001410977.1); c.1976C>T, p.Thr659Met (NM_001414029.1); c.1907C>T, p.Thr636Met (NM_001414030.1); and 4 more; short protein forms T661M, T568M, T213M, T552M, T665M, T655M, T705M, T600M.
Identifiers: ClinVar variation 470571 (VCV000470571.11), dbSNP rs749679578, ClinGen allele CA6615770.

ClinVar aggregate classification (germline): Uncertain significance. Review status: criteria provided, multiple submitters, no conflicts (2 of 4 stars). 3 submissions from 3 submitters: Uncertain significance (3). Last evaluated 2024-01-19.

Conditions:
Congenital muscular dystrophy due to integrin alpha-7 deficiency. Also called: Congenital muscular dystrophy with integrin alpha-7 deficiency; Muscular dystrophy, congenital, due to ITGA7 deficiency; MYOPATHY, CONGENITAL, DUE TO INTEGRIN ALPHA-7 DEFICIENCY. Identifiers: Orphanet 34520, MedGen C2750786, MONDO:0013177, OMIM 613204.

Allele frequency attached by ClinVar (database versions not stated): gnomAD exomes 0.00001 and 0.00004; gnomAD 0.00002; TOPMed 0.00002; ExAC 0.00004.
gnomAD v4.1: 24 of 1,605,470 alleles (0.0015%); highest among the groups gnomAD compares: Admixed American, 0.012%; no homozygotes.

Submissions (3):

Labcorp Genetics (formerly Invitae), Labcorp
Classification: Uncertain significance for Congenital muscular dystrophy due to integrin alpha-7 deficiency. Last evaluated: 2024-01-19. Review status: criteria provided, single submitter. Criteria: Invitae Variant Classification Sherloc (09022015). Collection method: clinical testing. Allele origin: germline.
Comment: This sequence change replaces threonine, which is neutral and polar, with methionine, which is neutral and non-polar, at codon 661 of the ITGA7 protein (p.Thr661Met). This variant is present in population databases (rs749679578, gnomAD 0.007%). This variant has not been reported in the literature in individuals affected with ITGA7-related conditions. ClinVar contains an entry for this variant (Variation ID: 470571). Algorithms developed to predict the effect of missense changes on protein structure and function output the following: SIFT: "Not Available"; PolyPhen-2: "Benign"; Align-GVGD: "Not Available". The methionine amino acid residue is found in multiple mammalian species, which suggests that this missense change does not adversely affect protein function. In summary, the available evidence is currently insufficient to determine the role of this variant in disease. Therefore, it has been classified as a Variant of Uncertain Significance.

Revvity Omics, Revvity
Classification: Uncertain significance for Congenital muscular dystrophy due to integrin alpha-7 deficiency. Last evaluated: 2022-05-12. Review status: criteria provided, single submitter. Criteria: ACMG Guidelines, 2015. Collection method: clinical testing. Allele origin: germline.

GeneDx
Classification: Uncertain significance. Last evaluated: 2020-04-07. Review status: criteria provided, single submitter. Criteria: GeneDx Variant Classification Process June 2021. Collection method: clinical testing. Allele origin: germline. Affected: yes.
Comment: Not observed at a significant frequency in large population cohorts (Lek et al., 2016); In silico analysis, which includes protein predictors and evolutionary conservation, supports that this variant does not alter protein structure/function; Has not been previously published as pathogenic or benign to our knowledge